The following is an entry in ClinVar:

ClinVar aggregate classification (germline): Uncertain significance (1 of 4 stars; one submission).

Conditions:
Hereditary sensory neuropathy-deafness-dementia syndrome. Also called: Hereditary sensory neuropathy type IE; HSN IE; NEUROPATHY, HEREDITARY SENSORY, WITH HEARING LOSS AND DEMENTIA; Hereditary Sensory and Autonomic Neuropathy Type 1E (HSAN1E). Identifiers: Orphanet 456318, MedGen C3279885, MONDO:0013584, OMIM 614116.

Submission:

Labcorp Genetics (formerly Invitae), Labcorp
Classification: Uncertain significance for Hereditary sensory neuropathy-deafness-dementia syndrome. Last evaluated: 2020-01-19. Review status: criteria provided, single submitter. Criteria: Invitae Variant Classification Sherloc (09022015). Collection method: clinical testing. Allele origin: germline.
Comment: In summary, the available evidence is currently insufficient to determine the role of this variant in disease. Therefore, it has been classified as a Variant of Uncertain Significance. Algorithms developed to predict the effect of missense changes on protein structure and function are either unavailable or do not agree on the potential impact of this missense change (SIFT: "Deleterious"; PolyPhen-2: "Benign"; Align-GVGD: "Class C0"). This variant has not been reported in the literature in individuals with DNMT1-related conditions. This variant is not present in population databases (ExAC no frequency). This sequence change replaces aspartic acid with glycine at codon 934 of the DNMT1 protein (p.Asp934Gly). The aspartic acid residue is highly conserved and there is a moderate physicochemical difference between aspartic acid and glycine.

NM_001130823.3(DNMT1):c.2801A>G (p.Asp934Gly)

Gene: DNMT1 (DNA methyltransferase 1; minus strand). Cytogenetic location: 19p13.2.
Variant type: single nucleotide variant.
Coding change: c.2801A>G on transcript NM_001130823.3 (MANE Select); coding-DNA position 2801, A replaced by G.
Protein change: p.Asp934Gly; replaces aspartic acid 934 with glycine.
Molecular consequence: missense variant.
Genome position (GRCh38, 1-based): chr19:10,146,444, T>C on the plus strand (A>G on the coding strand, the complement: DNMT1 is on the minus strand). VCF-style: chr19-10146444-T-C. GRCh37 (hg19) VCF-style: chr19-10257120-T-C.
Other names: c.2753A>G, p.Asp918Gly (NM_001318730.2, NM_001379.4); c.2438A>G, p.Asp813Gly (NM_001318731.2); short protein forms D813G, D918G, D934G.
Identifiers: ClinVar variation 1019783 (VCV001019783.9), dbSNP rs2038205455, ClinGen allele CA403976277.